The following is an entry in ClinVar:

ClinVar aggregate classification (germline): Uncertain significance (1 of 4 stars; one submission).

Conditions:
Cutis laxa, X-linked (OHS). Also called: EDS IX; Occipital horn syndrome. Identifiers: Orphanet 198, MedGen C0268353, MONDO:0010572, OMIM 304150.
X-linked distal spinal muscular atrophy type 3. Also called: ATP7A-Related Distal Motor Neuropathy; SPINAL MUSCULAR ATROPHY, DISTAL, X-LINKED RECESSIVE; NEUROPATHY, DISTAL HEREDITARY MOTOR, X-LINKED; NEURONOPATHY, DISTAL HEREDITARY MOTOR, X-LINKED. Identifiers: Orphanet 139557, MedGen C1845359, MONDO:0010338, OMIM 300489.
Menkes kinky-hair syndrome (MNK). Also called: Classic Menkes Disease; Copper transport disease; Menkes Disease. Identifiers: Orphanet 565, MedGen C0022716, MONDO:0010651, OMIM 309400.

gnomAD v4.1: 3 of 1,211,843 alleles (0.00025%); highest among the groups gnomAD compares: Non-Finnish European, 0.00034%; no homozygotes.

Submission:

Labcorp Genetics (formerly Invitae), Labcorp
Classification: Uncertain significance for X-linked distal spinal muscular atrophy type 3; Cutis laxa, X-linked; Menkes kinky-hair syndrome. Last evaluated: 2025-05-08. Review status: criteria provided, single submitter. Criteria: Invitae Variant Classification Sherloc (09022015). Collection method: clinical testing. Allele origin: germline.
Comment: This sequence change replaces threonine, which is neutral and polar, with alanine, which is neutral and non-polar, at codon 472 of the ATP7A protein (p.Thr472Ala). This variant is not present in population databases (gnomAD no frequency). This variant has not been reported in the literature in individuals affected with ATP7A-related conditions. ClinVar contains an entry for this variant (Variation ID: 1392552). Invitae Evidence Modeling of protein sequence and biophysical properties (such as structural, functional, and spatial information, amino acid conservation, physicochemical variation, residue mobility, and thermodynamic stability) indicates that this missense variant is not expected to disrupt ATP7A protein function with a negative predictive value of 95%. In summary, the available evidence is currently insufficient to determine the role of this variant in disease. Therefore, it has been classified as a Variant of Uncertain Significance.

NM_000052.7(ATP7A):c.1414A>G (p.Thr472Ala)

Gene: ATP7A (ATPase copper transporting alpha; plus strand). Cytogenetic location: Xq21.1.
Variant type: single nucleotide variant.
Coding change: c.1414A>G on transcript NM_000052.7 (MANE Select); coding-DNA position 1414, A replaced by G.
Protein change: p.Thr472Ala; replaces threonine 472 with alanine.
Molecular consequence: missense variant.
Genome position (GRCh38, 1-based): chrX:77,998,555, A>G. VCF-style: chrX-77998555-A-G. GRCh37 (hg19) VCF-style: chrX-77254052-A-G.
Other names: c.1414A>G, p.Thr472Ala (NM_001282224.2); short protein forms T472A.
Identifiers: ClinVar variation 1392552 (VCV001392552.7), dbSNP rs2149087825, ClinGen allele CA413594864.
Genomic context (GRCh38, chrX:77,998,555, plus strand): 5'-GTAGTAATAGCTCAGCCTTCATCGGAAATGCCGCTTTTGACTTCAACTAATGAATTTTAT[A>G]CTAAAGGGATGACACCAGTTCAAGACAAGGAGGAAGGAAAGAATTCATCTAAGTGTTACA-3'
Protein context (NP_000043.4, residues 462-482): PLLTSTNEFY[Thr472Ala]KGMTPVQDKE